The following is an entry in ClinVar:

ClinVar aggregate classification (germline): Pathogenic/Likely pathogenic. Review status: criteria provided, multiple submitters, no conflicts (2 of 4 stars). 3 submissions from 3 submitters: Pathogenic (1); Likely pathogenic (2). Last evaluated 2022-04-16.

Conditions:
Primary ciliary dyskinesia. Also called: Ciliary dyskinesia. Identifiers: Orphanet 244, MedGen C0008780, MONDO:0016575, HP:0012265.
DNAH5-related disorders.
Primary ciliary dyskinesia 3. Identifiers: Orphanet 244, MedGen C1837618, MONDO:0012085, OMIM 608644.

Submissions (3):

Myriad Genetics, Inc.
Classification: Likely pathogenic for Primary ciliary dyskinesia 3. Last evaluated: 2022-04-16. Review status: criteria provided, single submitter. Criteria: Myriad Women's Health Autosomal Recessive and X-Linked Classification Criteria (2021). Collection method: clinical testing. Allele origin: unknown.
Comment: NM_001369.2(DNAH5):c.7065_7066insTT(N2356Lfs*5) is expected to be pathogenic in the context of DNAH5-related primary ciliary dyskinesia. This variant is predicted to lead to an abnormal or absent protein product due to the creation of a premature termination codon in DNAH5, a gene where loss-of-function variants are known to be pathogenic. Please note: this variant was assessed in the context of healthy population screening.

Labcorp Genetics (formerly Invitae), Labcorp
Classification: Pathogenic for Primary ciliary dyskinesia. Last evaluated: 2021-01-21. Review status: criteria provided, single submitter. Criteria: Invitae Variant Classification Sherloc (09022015). Collection method: clinical testing. Allele origin: germline.
Comment: This sequence change creates a premature translational stop signal (p.Asn2356Leufs*5) in the DNAH5 gene. It is expected to result in an absent or disrupted protein product. Loss-of-function variants in DNAH5 are known to be pathogenic (PMID: 11788826, 16627867). This variant is not present in population databases (ExAC no frequency). This variant has not been reported in the literature in individuals with DNAH5-related conditions. For these reasons, this variant has been classified as Pathogenic.

Blueprint Genetics
Classification: Likely pathogenic for DNAH5-related disorders. Last evaluated: 2018-04-25. Review status: criteria provided, single submitter. Criteria: ACMG Guidelines, 2015. Collection method: clinical testing. Allele origin: germline. Affected: yes. Observed: 1 variant allele.

Literature cited by the submitters: PubMed 11788826 (cited by Labcorp Genetics (formerly Invitae), Labcorp); PubMed 16627867 (cited by Labcorp Genetics (formerly Invitae), Labcorp).

NM_001369.3(DNAH5):c.7065_7066insTT (p.Asn2356fs)

Gene: DNAH5 (dynein axonemal heavy chain 5; minus strand). Cytogenetic location: 5p15.2.
Variant type: Insertion.
Coding change: c.7065_7066insTT on transcript NM_001369.3 (MANE Select); coding-DNA positions 7065 to 7066, TT inserted.
Protein change: p.Asn2356fs; shifts the reading frame from asparagine 2356.
Molecular consequence: frameshift variant.
Genome position: GRCh38 VCF-style: chr5-13814769-T-TAA. GRCh37 (hg19) VCF-style: chr5-13814878-T-TAA.
Other names: short protein forms N2356fs.
Identifiers: ClinVar variation 1457400 (VCV001457400.9), dbSNP rs2151800607, ClinGen allele CA2573138488.